The following is an entry in ClinVar:

NM_001376.5(DYNC1H1):c.3412A>G (p.Asn1138Asp)

Gene: DYNC1H1 (dynein cytoplasmic 1 heavy chain 1; plus strand). Cytogenetic location: 14q32.31.
Variant type: single nucleotide variant.
Coding change: c.3412A>G on transcript NM_001376.5 (MANE Select); coding-DNA position 3412, A replaced by G.
Protein change: p.Asn1138Asp; replaces asparagine 1138 with aspartic acid.
Molecular consequence: missense variant.
Genome position (GRCh38, 1-based): chr14:101,995,064, A>G. VCF-style: chr14-101995064-A-G. GRCh37 (hg19) VCF-style: chr14-102461401-A-G.
Other names: short protein forms N1138D.
Identifiers: ClinVar variation 2729365 (VCV002729365.3), dbSNP rs1165543057, ClinGen allele CA391034006.

ClinVar aggregate classification (germline): Uncertain significance (1 of 4 stars; one submission).

Conditions:
Charcot-Marie-Tooth disease axonal type 2O. Also called: Charcot-Marie-Tooth disease, axonal, type 20; CHARCOT-MARIE-TOOTH NEUROPATHY, AXONAL, TYPE 2O; CHARCOT-MARIE-TOOTH DISEASE, AXONAL, AUTOSOMAL DOMINANT, TYPE 2O; Charcot-Marie-Tooth Neuropathy Type 2O. Identifiers: Orphanet 284232, MedGen C3280220, MONDO:0013644, OMIM 614228.

Allele frequency attached by ClinVar (database versions not stated): TOPMed below 0.00001.

Submission:

Labcorp Genetics (formerly Invitae), Labcorp
Classification: Uncertain significance for Charcot-Marie-Tooth disease axonal type 2O. Last evaluated: 2023-05-05. Review status: criteria provided, single submitter. Criteria: Invitae Variant Classification Sherloc (09022015). Collection method: clinical testing. Allele origin: germline.
Comment: In summary, the available evidence is currently insufficient to determine the role of this variant in disease. Therefore, it has been classified as a Variant of Uncertain Significance. Advanced modeling of protein sequence and biophysical properties (such as structural, functional, and spatial information, amino acid conservation, physicochemical variation, residue mobility, and thermodynamic stability) performed at Invitae indicates that this missense variant is not expected to disrupt DYNC1H1 protein function. This variant has not been reported in the literature in individuals affected with DYNC1H1-related conditions. This variant is not present in population databases (gnomAD no frequency). This sequence change replaces asparagine, which is neutral and polar, with aspartic acid, which is acidic and polar, at codon 1138 of the DYNC1H1 protein (p.Asn1138Asp).